The following is an entry in ClinVar:

NM_152594.3(SPRED1):c.790delinsAA (p.Pro264fs)

Gene: SPRED1 (sprouty related EVH1 domain containing 1; plus strand). Cytogenetic location: 15q14.
Variant type: Indel.
Coding change: c.790delinsAA on transcript NM_152594.3 (MANE Select); coding-DNA position 790, C replaced by AA.
Protein change: p.Pro264fs; shifts the reading frame from proline 264.
Molecular consequence: frameshift variant.
Genome position (GRCh38, 1-based): chr15:38,351,119, C replaced by AA. VCF-style: chr15-38351119-C-AA. GRCh37 (hg19) VCF-style: chr15-38643320-C-AA.
Other names: short protein forms P264fs.
Identifiers: ClinVar variation 1761178 (VCV001761178.2), dbSNP rs2542742614, ClinGen allele CA2580089316.

ClinVar aggregate classification (germline): Pathogenic (1 of 4 stars; one submission).

Conditions:
Cardiovascular phenotype. Identifiers: MedGen CN230736.

Submission:

Ambry Genetics
Classification: Pathogenic for Cardiovascular phenotype. Last evaluated: 2016-09-14. Review status: criteria provided, single submitter. Criteria: Ambry Variant Classification Scheme 2023. Collection method: clinical testing. Allele origin: germline.
Comment: The c.790delCinsAA mutation, located in coding exon 7 of the SPRED1 gene, results from the deletion of one nucleotide and insertion of two nucleotides causing a translational frameshift with a predicted alternate stop codon (p.P264Nfs*2). Frameshifts are typically deleterious in nature; however, this frameshift occurs at the 3' terminus of SPRED1 and is not expected to trigger nonsense-mediated mRNA decay. This mutation impacts only the last 181 amino acids of the protein. The exact functional impact of these altered amino acids is unknown at this time; however, structural analysis suggests that this mutation removes important functional domains, including a part of the KIT-binding domain and the entire SPROUTY-related domain. In addition, numerous pathogenic mutations located downstream of this mutation have been identified in patients with Legius syndrome (Brems H et al. Hum. Mutat., 2012 Nov;33:1538-46). Based on the supporting evidence, c.790delCinsAA is interpreted as a disease-causing mutation.

Literature cited by the submitters: PubMed 22753041.